The following is an entry in ClinVar:

NM_000222.3(KIT):c.2895del (p.Ser966fs)

Gene: KIT (KIT proto-oncogene, receptor tyrosine kinase; plus strand). Cytogenetic location: 4q12.
Variant type: Deletion.
Coding change: c.2895del on transcript NM_000222.3 (MANE Select); coding-DNA position 2895, one base deleted (C; older notation c.2895delC).
Protein change: p.Ser966fs; shifts the reading frame from serine 966.
Molecular consequence: frameshift variant.
Genome position (GRCh38, 1-based): chr4:54,738,521, C deleted; the last of 2 consecutive C bases (chr4:54,738,520-54,738,521); deleting either gives the same sequence. VCF-style (leftmost placement, unchanged base first): chr4-54738519-TC-T. GRCh37 (hg19) VCF-style: chr4-55604685-TC-T.
Other names: c.2895delC, p.Ser966Profs (NM_000222.2); c.2883del, p.Ser962fs (NM_001093772.2, NM_001385292.1); c.2898del, p.Ser967fs (NM_001385284.1); c.2892del, p.Ser965fs (NM_001385285.1); c.2880del, p.Ser961fs (NM_001385286.1); c.2886del, p.Ser963fs (NM_001385288.1); c.2895del, p.Ser966fs (NM_001385290.1); short protein forms S961fs, S962fs, S963fs, S965fs, S966fs, S967fs.
Identifiers: ClinVar variation 4278597 (VCV004278597.1).

ClinVar aggregate classification (germline): Uncertain significance (1 of 4 stars; one submission).

Submission:

GeneDx
Classification: Uncertain significance. Last evaluated: 2025-03-28. Review status: criteria provided, single submitter. Criteria: GeneDx Variant Classification Process June 2021. Collection method: clinical testing. Allele origin: germline. Affected: yes.
Comment: Not observed at significant frequency in large population cohorts (gnomAD); Frameshift variant predicted to result in abnormal protein length as the last 11 amino acids are replaced with 30 different amino acids; This variant is associated with the following publications: (PMID: 33057194, 35982159, 31785789)